The following is an entry in ClinVar:

ClinVar aggregate classification (germline): Uncertain significance (1 of 4 stars; one submission).

Allele frequency attached by ClinVar (database versions not stated): gnomAD exomes 0.00001; TOPMed below 0.00001; ExAC 0.00001.
gnomAD v4.1: 3 of 1,614,032 alleles (0.00019%); highest among the groups gnomAD compares: Admixed American, 0.005%; no homozygotes.

Submission:

Labcorp Genetics (formerly Invitae), Labcorp
Classification: Uncertain significance. Last evaluated: 2025-07-14. Review status: criteria provided, single submitter. Criteria: Invitae Variant Classification Sherloc (09022015). Collection method: clinical testing. Allele origin: germline.
Comment: This sequence change replaces asparagine, which is neutral and polar, with isoleucine, which is neutral and non-polar, at codon 1305 of the CPAMD8 protein (p.Asn1305Ile). This variant is present in population databases (rs765187598, gnomAD 0.009%). This variant has not been reported in the literature in individuals affected with CPAMD8-related conditions. ClinVar contains an entry for this variant (Variation ID: 1951625). An algorithm developed to predict the effect of missense changes on protein structure and function (PolyPhen-2) suggests that this variant is likely to be disruptive. In summary, the available evidence is currently insufficient to determine the role of this variant in disease. Therefore, it has been classified as a Variant of Uncertain Significance.

NM_015692.5(CPAMD8):c.3773A>T (p.Asn1258Ile)

Gene: CPAMD8 (C3 and PZP like alpha-2-macroglobulin domain containing 8; minus strand). Cytogenetic location: 19p13.11.
Variant type: single nucleotide variant.
Coding change: c.3773A>T on transcript NM_015692.5 (MANE Select); coding-DNA position 3773, A replaced by T.
Protein change: p.Asn1258Ile; replaces asparagine 1258 with isoleucine.
Molecular consequence: missense variant.
Genome position (GRCh38, 1-based): chr19:16,914,670, T>A on the plus strand (A>T on the coding strand, the complement: CPAMD8 is on the minus strand). VCF-style: chr19-16914670-T-A. GRCh37 (hg19) VCF-style: chr19-17025480-T-A.
Other names: short protein forms N1258I.
Identifiers: ClinVar variation 1951625 (VCV001951625.5), dbSNP rs765187598, ClinGen allele CA9284874.